The following is an entry in ClinVar:

NM_000303.3(PMM2):c.347+5G>A

Gene: PMM2 (phosphomannomutase 2; plus strand). Cytogenetic location: 16p13.2.
Variant type: single nucleotide variant.
Coding change: c.347+5G>A on transcript NM_000303.3 (MANE Select); 5 bases into the intron after coding-DNA position 347, G replaced by A.
Molecular consequence: intron variant.
Genome position (GRCh38, 1-based): chr16:8,806,412, G>A. VCF-style: chr16-8806412-G-A. GRCh37 (hg19) VCF-style: chr16-8900269-G-A.
Identifiers: ClinVar variation 1329635 (VCV001329635.2), dbSNP rs1373876757, ClinGen allele CA620729353.

ClinVar aggregate classification (germline): Likely pathogenic (1 of 4 stars; one submission).

Allele frequency attached by ClinVar (database versions not stated): gnomAD exomes below 0.00001 and 0.00001; gnomAD 0.00004 and 0.00005; TOPMed 0.00004.
gnomAD v4.1: 8 of 1,601,840 alleles (0.0005%); highest among the groups gnomAD compares: African/African-American, 0.0094%; no homozygotes.

Submission:

GeneDx
Classification: Likely pathogenic. Last evaluated: 2021-12-26. Review status: criteria provided, single submitter. Criteria: GeneDx Variant Classification Process June 2021. Collection method: clinical testing. Allele origin: germline. Affected: yes.
Comment: Intronic +5 splice site variant in a gene for which loss-of-function is a known mechanism of disease, and splice predictors support a deleterious effect; Not observed at a significant frequency in large population cohorts (Lek et al., 2016); Has not been previously published as pathogenic or benign to our knowledge